The following is an entry in ClinVar:

NM_001267550.2(TTN):c.89296G>C (p.Val29766Leu)

Genes: TTN (titin; minus strand), TTN-AS1 (TTN antisense RNA 1; plus strand). Cytogenetic location: 2q31.2.
Variant type: single nucleotide variant.
Coding change: c.89296G>C on transcript NM_001267550.2 (MANE Select); coding-DNA position 89296, G replaced by C.
Protein change: p.Val29766Leu; replaces valine 29766 with leucine.
Molecular consequence: missense variant.
Genome position (GRCh38, 1-based): chr2:178,553,709, C>G on the plus strand (G>C on the coding strand, the complement: TTN is on the minus strand). VCF-style: chr2-178553709-C-G. GRCh37 (hg19) VCF-style: chr2-179418436-C-G.
Other names: p.Val27198Leu; c.84373G>C, p.Val28125Leu (NM_001256850.1); c.62101G>C, p.Val20701Leu (NM_003319.4); c.81592G>C, p.Val27198Leu (NM_133378.4); c.62476G>C, p.Val20826Leu (NM_133432.3); c.62677G>C, p.Val20893Leu (NM_133437.4); short protein forms V20701L, V20826L, V20893L, V27198L, V28125L, V29766L.
Identifiers: ClinVar variation 3380866 (VCV003380866.2).

ClinVar aggregate classification (germline): Uncertain significance. Review status: criteria provided, multiple submitters, no conflicts (2 of 4 stars). 2 submissions from 2 submitters: Uncertain significance (2). Last evaluated 2024-09-06.

gnomAD v4.1: 13 of 1,613,818 alleles (0.00081%); highest among the groups gnomAD compares: Non-Finnish European, 0.0011%; no homozygotes.

Submissions (2):

Mayo Clinic Laboratories, Mayo Clinic
Classification: Uncertain significance. Last evaluated: 2024-09-06. Review status: criteria provided, single submitter. Criteria: ACMG Guidelines, 2015. Collection method: clinical testing. Allele origin: germline. Observed: 1 variant allele.
Comment: BP4

GeneDx
Classification: Uncertain significance. Last evaluated: 2024-09-04. Review status: criteria provided, single submitter. Criteria: GeneDx Variant Classification Process June 2021. Collection method: clinical testing. Allele origin: germline. Affected: yes.
Comment: Not observed at significant frequency in large population cohorts (gnomAD); Missense variant in a gene in which most reported pathogenic variants are truncating/loss of function; Has not been previously published as pathogenic or benign to our knowledge